The following is an entry in ClinVar:

NM_001457.4(FLNB):c.4907T>A (p.Phe1636Tyr)

Gene: FLNB (filamin B; plus strand). Cytogenetic location: 3p14.3.
Variant type: single nucleotide variant.
Coding change: c.4907T>A on transcript NM_001457.4 (MANE Select); coding-DNA position 4907, T replaced by A.
Protein change: p.Phe1636Tyr; replaces phenylalanine 1636 with tyrosine.
Molecular consequence: missense variant.
Genome position (GRCh38, 1-based): chr3:58,138,327, T>A. VCF-style: chr3-58138327-T-A. GRCh37 (hg19) VCF-style: chr3-58124054-T-A.
Other names: c.5000T>A, p.Phe1667Tyr (NM_001164317.2); c.4907T>A, p.Phe1636Tyr (NM_001164318.2, NM_001164319.2); short protein forms F1667Y, F1636Y.
Identifiers: ClinVar variation 1436787 (VCV001436787.6), dbSNP rs1159952920, ClinGen allele CA353352650.

ClinVar aggregate classification (germline): Uncertain significance (1 of 4 stars; one submission).

Allele frequency attached by ClinVar (database versions not stated): gnomAD exomes below 0.00001.
gnomAD v4.1: 1 of 1,614,148 alleles (0.000062%); highest among the groups gnomAD compares: Non-Finnish European, 0.000085%; no homozygotes.

Submission:

Labcorp Genetics (formerly Invitae), Labcorp
Classification: Uncertain significance. Last evaluated: 2022-03-18. Review status: criteria provided, single submitter. Criteria: Invitae Variant Classification Sherloc (09022015). Collection method: clinical testing. Allele origin: germline.
Comment: This sequence change replaces phenylalanine, which is neutral and non-polar, with tyrosine, which is neutral and polar, at codon 1636 of the FLNB protein (p.Phe1636Tyr). This variant is present in population databases (no rsID available, gnomAD 0.0009%). This variant has not been reported in the literature in individuals affected with FLNB-related conditions. Advanced modeling of protein sequence and biophysical properties (such as structural, functional, and spatial information, amino acid conservation, physicochemical variation, residue mobility, and thermodynamic stability) performed at Invitae indicates that this missense variant is not expected to disrupt FLNB protein function. In summary, the available evidence is currently insufficient to determine the role of this variant in disease. Therefore, it has been classified as a Variant of Uncertain Significance.